The following is an entry in ClinVar:

NM_007194.4(CHEK2):c.1461+2del

Gene: CHEK2 (checkpoint kinase 2; minus strand). Cytogenetic location: 22q12.1.
Variant type: Deletion.
Coding change: c.1461+2del on transcript NM_007194.4 (MANE Select); the canonical splice donor site of the intron after coding-DNA position 1461, one base deleted (T; older notation c.1461+2delT).
Molecular consequence: splice donor variant.
Genome position (GRCh38, 1-based): chr22:28,694,030, A deleted on the plus strand (T on the coding strand, the reverse complement: CHEK2 is on the minus strand). VCF-style (leftmost placement, unchanged base first): chr22-28694029-CA-C. GRCh37 (hg19) VCF-style: chr22-29090017-CA-C.
Other names: c.798+2del (NM_001437942.1, NM_001257387.3); c.1260+2del (NM_001349956.3); c.1374+2del (NM_145862.3); c.1467+2del (NM_001438295.1); c.1554+2del (NM_001438293.1); c.1503+2del (NM_001438294.1); c.1590+2del (NM_001005735.3).
Identifiers: ClinVar variation 653945 (VCV000653945.8), dbSNP rs1601715755, ClinGen allele CA915952837.
Genomic context (GRCh38, chr22:28,694,029, plus strand): 5'-ATGTCTCTCAGGCAGCAGGGCTTCCCATGTATTTTATGCTAGCAGGCACTGTCCCACACC[CA>C]CCTGAAGCCACGGGTGTCTTAAGGCTTCTTCTGTCGTAAAACGTGCCTTTGGATCCACTA-3'

ClinVar aggregate classification (germline): Likely pathogenic (1 of 4 stars; one submission).

Conditions:
Familial cancer of breast. Also called: hereditary breast carcinoma; BREAST CANCER, FAMILIAL; Hereditary breast cancer. Identifiers: Orphanet 227535, MedGen C0346153, MONDO:0016419, OMIM 114480. Disease mechanism: loss of function.

Submission:

Labcorp Genetics (formerly Invitae), Labcorp
Classification: Likely pathogenic for Familial cancer of breast. Last evaluated: 2018-07-17. Review status: criteria provided, single submitter. Criteria: Invitae Variant Classification Sherloc (09022015). Collection method: clinical testing. Allele origin: germline.
Comment: In summary, the currently available evidence indicates that the variant is pathogenic, but additional data are needed to prove that conclusively. Therefore, this variant has been classified as Likely Pathogenic. Donor and acceptor splice site variants typically lead to a loss of protein function (PMID: 16199547), and loss-of-function variants in CHEK2 are known to be pathogenic (PMID: 21876083, 24713400). This variant has not been reported in the literature in individuals with CHEK2-related disease. This variant is not present in population databases (ExAC no frequency). This sequence change affects a donor splice site in intron 13 of the CHEK2 gene. It is expected to disrupt RNA splicing and likely results in an absent or disrupted protein product.

Literature cited by the submitters: PubMed 16199547; PubMed 21876083; PubMed 24713400.